The following is an entry in ClinVar:

ClinVar aggregate classification (germline): Uncertain significance (1 of 4 stars; one submission).

Allele frequency attached by ClinVar (database versions not stated): gnomAD exomes below 0.00001; ExAC 0.00001; gnomAD 0.00001 and 0.00002; TOPMed 0.00001; 1000 Genomes Project 30x 0.00016; 1000 Genomes Project 0.00020.
gnomAD v4.1: 7 of 1,614,092 alleles (0.00043%); highest among the groups gnomAD compares: African/African-American, 0.0067%; no homozygotes.

Submission:

GeneDx
Classification: Uncertain significance. Last evaluated: 2021-08-05. Review status: criteria provided, single submitter. Criteria: GeneDx Variant Classification Process June 2021. Collection method: clinical testing. Allele origin: germline. Affected: yes.
Comment: In silico analysis supports that this missense variant has a deleterious effect on protein structure/function; Has not been previously published as pathogenic or benign to our knowledge

NM_001429.4(EP300):c.5092A>G (p.Thr1698Ala)

Gene: EP300 (E1A binding protein p300; plus strand). Cytogenetic location: 22q13.2.
Variant type: single nucleotide variant.
Coding change: c.5092A>G on transcript NM_001429.4 (MANE Select); coding-DNA position 5092, A replaced by G.
Protein change: p.Thr1698Ala; replaces threonine 1698 with alanine.
Molecular consequence: missense variant.
Genome position (GRCh38, 1-based): chr22:41,176,803, A>G. VCF-style: chr22-41176803-A-G. GRCh37 (hg19) VCF-style: chr22-41572807-A-G.
Other names: c.5014A>G, p.Thr1672Ala (NM_001362843.2); short protein forms T1672A, T1698A.
Identifiers: ClinVar variation 1339580 (VCV001339580.2), dbSNP rs549834848, ClinGen allele CA10253600.